The following is an entry in ClinVar:

ClinVar aggregate classification (germline): Uncertain significance. Review status: criteria provided, multiple submitters, no conflicts (2 of 4 stars). 2 submissions from 2 submitters: Uncertain significance (2). Last evaluated 2022-11-04.

Conditions:
Mitochondrial hypertrophic cardiomyopathy with lactic acidosis due to MTO1 deficiency. Also called: CARDIOMYOPATHY, INFANTILE HYPERTROPHIC MITOCHONDRIAL, AND LACTIC ACIDOSIS; Combined oxidative phosphorylation deficiency 10. Identifiers: Orphanet 314637, MedGen C4749921, MONDO:0013865, OMIM 614702.

Allele frequency attached by ClinVar (database versions not stated): gnomAD exomes 0.00001 and 0.00002; ExAC 0.00002.

Submissions (2):

GeneDx
Classification: Uncertain significance. Last evaluated: 2022-11-04. Review status: criteria provided, single submitter. Criteria: GeneDx Variant Classification Process June 2021. Collection method: clinical testing. Allele origin: germline. Affected: yes.
Comment: Not observed at significant frequency in large population cohorts (gnomAD); In silico analysis supports that this missense variant has a deleterious effect on protein structure/function; Has not been previously published as pathogenic or benign to our knowledge

Labcorp Genetics (formerly Invitae), Labcorp
Classification: Uncertain significance for Mitochondrial hypertrophic cardiomyopathy with lactic acidosis due to MTO1 deficiency. Last evaluated: 2022-02-04. Review status: criteria provided, single submitter. Criteria: Invitae Variant Classification Sherloc (09022015). Collection method: clinical testing. Allele origin: germline.
Comment: In summary, the available evidence is currently insufficient to determine the role of this variant in disease. Therefore, it has been classified as a Variant of Uncertain Significance. Algorithms developed to predict the effect of missense changes on protein structure and function are either unavailable or do not agree on the potential impact of this missense change (SIFT: "Deleterious"; PolyPhen-2: "Benign"; Align-GVGD: "Class C0"). ClinVar contains an entry for this variant (Variation ID: 941436). This variant has not been reported in the literature in individuals affected with MTO1-related conditions. This variant is present in population databases (rs755027057, gnomAD 0.01%). This sequence change replaces isoleucine, which is neutral and non-polar, with threonine, which is neutral and polar, at codon 447 of the MTO1 protein (p.Ile447Thr).

NM_012123.4(MTO1):c.1340T>C (p.Ile447Thr)

Gene: MTO1 (mitochondrial tRNA translation optimization 1; plus strand). Cytogenetic location: 6q13.
Variant type: single nucleotide variant.
Coding change: c.1340T>C on transcript NM_012123.4 (MANE Select); coding-DNA position 1340, T replaced by C.
Protein change: p.Ile447Thr; replaces isoleucine 447 with threonine.
Molecular consequence: missense variant.
Genome position (GRCh38, 1-based): chr6:73,482,119, T>C. VCF-style: chr6-73482119-T-C. GRCh37 (hg19) VCF-style: chr6-74191842-T-C.
Other names: c.1460T>C, p.Ile487Thr (NM_001123226.2); c.1415T>C, p.Ile472Thr (NM_133645.3); short protein forms I447T, I487T, I472T.
Identifiers: ClinVar variation 941436 (VCV000941436.10), dbSNP rs755027057, ClinGen allele CA3889624.